The following is an entry in ClinVar:

ClinVar aggregate classification (germline): Benign/Likely benign. Review status: criteria provided, multiple submitters, no conflicts (2 of 4 stars). 4 submissions from 4 submitters: Benign (1); Likely benign (2). 1 of the submissions does not count toward it. Last evaluated 2025-04-22.

Conditions:
TCF4-related disorder. Also called: TCF4-related condition.
Pitt-Hopkins syndrome (PTHS). Also called: ENCEPHALOPATHY, SEVERE EPILEPTIC, WITH AUTONOMIC DYSFUNCTION; MENTAL RETARDATION, SYNDROMAL, WITH INTERMITTENT HYPERVENTILATION. Identifiers: Orphanet 2896, MedGen C1970431, MONDO:0012589, OMIM 610954.

Allele frequency attached by ClinVar (database versions not stated): gnomAD exomes 0.00003 and 0.00008; TOPMed 0.00003; gnomAD 0.00004 and 0.00005; ExAC 0.00007; 1000 Genomes Project 0.00040; 1000 Genomes Project 30x 0.00047.
gnomAD v4.1: 48 of 1,613,886 alleles (0.003%); highest among the groups gnomAD compares: East Asian, 0.045%; no homozygotes.

Submissions (4):

Labcorp Genetics (formerly Invitae), Labcorp
Classification: Likely benign for Pitt-Hopkins syndrome. Last evaluated: 2025-04-22. Review status: criteria provided, single submitter. Criteria: Invitae Variant Classification Sherloc (09022015). Collection method: clinical testing. Allele origin: germline.

Illumina Laboratory Services, Illumina
Classification: Benign for Pitt-Hopkins syndrome. Last evaluated: 2018-01-13. Review status: criteria provided, single submitter. Criteria: ICSL Variant Classification Criteria 13 December 2019. Collection method: clinical testing. Allele origin: germline.
Comment: This variant was observed in the ICSL laboratory as part of a predisposition screen in an ostensibly healthy population. It had not been previously curated by ICSL or reported in the Human Gene Mutation Database (HGMD: prior to June 1st, 2018), and was therefore a candidate for classification through an automated scoring system. Utilizing variant allele frequency, disease prevalence and penetrance estimates, and inheritance mode, an automated score was calculated to assess if this variant is too frequent to cause the disease. Based on the score and internal cut-off values, a variant classified as benign is not then subjected to further curation. The score for this variant resulted in a classification of benign for this disease.

GeneDx
Classification: Likely benign. Last evaluated: 2016-06-30. Review status: criteria provided, single submitter. Criteria: GeneDx Variant Classification (06012015). Collection method: clinical testing. Allele origin: germline. Affected: yes.
Comment: This variant is considered likely benign or benign based on one or more of the following criteria: it is a conservative change, it occurs at a poorly conserved position in the protein, it is predicted to be benign by multiple in silico algorithms, and/or has population frequency not consistent with disease.

PreventionGenetics, part of Exact Sciences
Classification: Likely benign for TCF4-related condition. Last evaluated: 2019-09-17. Review status: no assertion criteria provided. Collection method: clinical testing. Allele origin: germline. Not counted in ClinVar's aggregate classification.
Comment: This variant is classified as likely benign based on ACMG/AMP sequence variant interpretation guidelines (Richards et al. 2015 PMID: 25741868, with internal and published modifications).

NM_001083962.2(TCF4):c.945C>T (p.Ala315=)

Gene: TCF4 (transcription factor 4; minus strand). Cytogenetic location: 18q21.2.
Variant type: single nucleotide variant.
Coding change: c.945C>T on transcript NM_001083962.2 (MANE Select); coding-DNA position 945, C replaced by T.
Protein change: p.Ala315=; no amino-acid change (alanine 315 retained).
Molecular consequence: synonymous variant.
Genome position (GRCh38, 1-based): chr18:55,261,511, G>A on the plus strand (C>T on the coding strand, the complement: TCF4 is on the minus strand). VCF-style: chr18-55261511-G-A. GRCh37 (hg19) VCF-style: chr18-52928742-G-A.
Other names: c.939C>T, p.Ala313= (NM_001243230.2); c.819C>T, p.Ala273= (NM_001243231.2, NM_001348211.2); c.732C>T, p.Ala244= (NM_001243232.1, NM_001306208.1); c.555C>T, p.Ala185= (NM_001243233.2, NM_001330605.3, NM_001348212.2 and 1 more transcripts); c.465C>T, p.Ala155= (NM_001243234.2, NM_001243235.2, NM_001243236.2 and 2 more transcripts); c.873C>T, p.Ala291= (NM_001306207.1, NM_001348217.1, NM_001348218.2 and 9 more transcripts); c.945C>T, p.Ala315= (NM_001330604.3, NM_001369567.1, NM_001369568.1 and 4 more transcripts); c.297C>T, p.Ala99= (NM_001348215.2); and 4 more.
Identifiers: ClinVar variation 387308 (VCV000387308.17), dbSNP rs200115299, ClinGen allele CA8970344.